The following is an entry in ClinVar:

ClinVar aggregate classification (germline): Uncertain significance. Review status: criteria provided, multiple submitters, no conflicts (2 of 4 stars). 2 submissions from 2 submitters: Uncertain significance (2). Last evaluated 2025-04-13.

Conditions:
Cardiovascular phenotype. Identifiers: MedGen CN230736.
Progressive familial heart block type IB (PFHB1B). Identifiers: Orphanet 871, MedGen C1970298, MONDO:0011474, OMIM 604559.

Submissions (2):

Labcorp Genetics (formerly Invitae), Labcorp
Classification: Uncertain significance for Progressive familial heart block type IB. Last evaluated: 2025-04-13. Review status: criteria provided, single submitter. Criteria: Invitae Variant Classification Sherloc (09022015). Collection method: clinical testing. Allele origin: germline.
Comment: This sequence change replaces glycine, which is neutral and non-polar, with arginine, which is basic and polar, at codon 324 of the TRPM4 protein (p.Gly324Arg). This variant is not present in population databases (gnomAD no frequency). This variant has not been reported in the literature in individuals affected with TRPM4-related conditions. ClinVar contains an entry for this variant (Variation ID: 3227038). An algorithm developed to predict the effect of missense changes on protein structure and function (PolyPhen-2) suggests that this variant is likely to be tolerated. In summary, the available evidence is currently insufficient to determine the role of this variant in disease. Therefore, it has been classified as a Variant of Uncertain Significance.

Ambry Genetics
Classification: Uncertain significance for Cardiovascular phenotype. Last evaluated: 2023-10-19. Review status: criteria provided, single submitter. Criteria: Ambry Variant Classification Scheme 2023. Collection method: clinical testing. Allele origin: germline.
Comment: The p.G324R variant (also known as c.970G>A), located in coding exon 8 of the TRPM4 gene, results from a G to A substitution at nucleotide position 970. The glycine at codon 324 is replaced by arginine, an amino acid with dissimilar properties. This amino acid position is conserved. In addition, this alteration is predicted to be tolerated by in silico analysis. Since supporting evidence is limited at this time, the clinical significance of this alteration remains unclear.

NM_017636.4(TRPM4):c.970G>A (p.Gly324Arg)

Gene: TRPM4 (transient receptor potential cation channel subfamily M member 4; plus strand). Cytogenetic location: 19q13.33.
Variant type: single nucleotide variant.
Coding change: c.970G>A on transcript NM_017636.4 (MANE Select); coding-DNA position 970, G replaced by A.
Protein change: p.Gly324Arg; replaces glycine 324 with arginine.
Molecular consequence: missense variant. On other transcripts: 5 prime UTR variant (1).
Genome position (GRCh38, 1-based): chr19:49,171,689, G>A. VCF-style: chr19-49171689-G-A. GRCh37 (hg19) VCF-style: chr19-49674946-G-A.
Other names: c.970G>A, p.Gly324Arg (NM_001195227.2); c.625G>A, p.Gly209Arg (NM_001321281.2); c.-584G>A (NM_001321282.2); c.448G>A, p.Gly150Arg (NM_001321283.2); c.121G>A, p.Gly41Arg (NM_001321285.2); short protein forms G150R, G209R, G324R, G41R.
Identifiers: ClinVar variation 3227038 (VCV003227038.2), dbSNP rs548064960, ClinGen allele CA406794189.
Genomic context (GRCh38, chr19:49,171,689, plus strand): 5'-TCAGGGGGAGCTGCGGACTGCCTGGCGGAGACCCTGGAAGACACTCTGGCCCCAGGGAGT[G>A]GGGGAGCCAGGCAAGGCGAAGCCCGAGATCGAATCAGGCGTTTCTTTCCCAAAGGGGACC-3'
Protein context (NP_060106.2, residues 314-334): TLEDTLAPGS[Gly324Arg]GARQGEARDR